The following is an entry in ClinVar:

ClinVar aggregate classification (germline): Conflicting classifications of pathogenicity. Review status: criteria provided, conflicting classifications (1 of 4 stars). 3 submissions from 3 submitters: Pathogenic (2); Uncertain significance (1). Last evaluated 2024-01-03.

Conditions:
Developmental and epileptic encephalopathy. Identifiers: MedGen C5779964, MONDO:0100620.

Submissions (3):

GeneDx
Classification: Pathogenic. Last evaluated: 2024-01-03. Review status: criteria provided, single submitter. Criteria: GeneDx Variant Classification Process June 2021. Collection method: clinical testing. Allele origin: germline. Affected: yes.
Comment: Published functional studies demonstrate a damaging effect and show that this variant produces a hyperpolarizing shift in the activation curve of the channel and delays the transition to fast inactivation supporting a gain-of-function effect (PMID: 30615093); Not observed at significant frequency in large population cohorts (gnomAD); Missense variants in this gene are a common cause of disease and they are underrepresented in the general population; In silico analysis supports that this missense variant has a deleterious effect on protein structure/function; This substitution is predicted to be within the transmembrane segment S6 of the fourth homologous domain; This variant is associated with the following publications: (PMID: 30615093)

Labcorp Genetics (formerly Invitae), Labcorp
Classification: Pathogenic for Early infantile epileptic encephalopathy with suppression bursts. Last evaluated: 2019-07-29. Review status: criteria provided, single submitter. Criteria: Invitae Variant Classification Sherloc (09022015). Collection method: clinical testing. Allele origin: germline.
Comment: This sequence change replaces methionine with isoleucine at codon 1760 of the SCN8A protein (p.Met1760Ile). The methionine residue is highly conserved and there is a small physicochemical difference between methionine and isoleucine. This variant is not present in population databases (ExAC no frequency). This variant has been observed in individuals(s) affected with SCN8A-related epileptic encephalopathy (PMID: 30615093, Invitae). In at least one individual the variant was observed to be de novo. ClinVar contains an entry for this variant (Variation ID: 444294). This variant has been reported to affect SCN8A protein function (PMID:30615093). For these reasons, this variant has been classified as Pathogenic.

CeGaT Center for Human Genetics Tuebingen
Classification: Uncertain significance. Last evaluated: 2017-03-01. Review status: criteria provided, single submitter. Criteria: CeGaT Center For Human Genetics Tuebingen Variant Classification Criteria Version 2. Collection method: clinical testing. Allele origin: germline. Affected: yes. Observed: 1 variant allele.

Literature cited by the submitters: PubMed 30615093 (cited by Labcorp Genetics (formerly Invitae), Labcorp).

NM_001330260.2(SCN8A):c.5280G>A (p.Met1760Ile)

Gene: SCN8A (sodium voltage-gated channel alpha subunit 8; plus strand). Cytogenetic location: 12q13.13.
Variant type: single nucleotide variant.
Coding change: c.5280G>A on transcript NM_001330260.2 (MANE Select); coding-DNA position 5280, G replaced by A.
Protein change: p.Met1760Ile; replaces methionine 1760 with isoleucine.
Molecular consequence: missense variant.
Genome position (GRCh38, 1-based): chr12:51,806,766, G>A. VCF-style: chr12-51806766-G-A. GRCh37 (hg19) VCF-style: chr12-52200550-G-A.
Other names: c.5157G>A, p.Met1719Ile (NM_001177984.3, NM_001369788.1); c.5280G>A, p.Met1760Ile (NM_014191.4); short protein forms M1760I, M1719I.
Identifiers: ClinVar variation 444294 (VCV000444294.44), dbSNP rs1555231013, ClinGen allele CA384885163.
Genomic context (GRCh38, chr12:51,806,766, plus strand): 5'-AGTGGGCATCTTCTTCTTTGTAAGCTACATCATCATCTCTTTCCTAATTGTCGTGAACAT[G>A]TACATTGCCATCATCCTGGAGAACTTCAGTGTAGCCACAGAGGAAAGTGCAGACCCTCTG-3'
Protein context (NP_001317189.1, residues 1750-1770): IIISFLIVVN[Met1760Ile]YIAIILENFS